The following is an entry in ClinVar:

ClinVar aggregate classification (germline): Uncertain significance. Review status: criteria provided, multiple submitters, no conflicts (2 of 4 stars). 2 submissions from 2 submitters: Uncertain significance (2). Last evaluated 2022-06-27.

Conditions:
Inborn genetic diseases. Identifiers: MedGen C0950123, MeSH D030342.

Allele frequency attached by ClinVar (database versions not stated): gnomAD 0.00001; TOPMed 0.00002; gnomAD exomes 0.00003 and 0.00004; ExAC 0.00005.

Submissions (2):

Ambry Genetics
Classification: Uncertain significance for Inborn genetic diseases. Last evaluated: 2022-06-27. Review status: criteria provided, single submitter. Criteria: Ambry Variant Classification Scheme 2023. Collection method: clinical testing. Allele origin: germline.

Labcorp Genetics (formerly Invitae), Labcorp
Classification: Uncertain significance. Last evaluated: 2021-09-19. Review status: criteria provided, single submitter. Criteria: Invitae Variant Classification Sherloc (09022015). Collection method: clinical testing. Allele origin: germline.
Comment: This sequence change replaces phenylalanine with leucine at codon 105 of the ORC6 protein (p.Phe105Leu). The phenylalanine residue is highly conserved and there is a small physicochemical difference between phenylalanine and leucine. This variant is present in population databases (rs766253178, ExAC 0.02%). This variant has not been reported in the literature in individuals affected with ORC6-related conditions. Algorithms developed to predict the effect of missense changes on protein structure and function (SIFT, PolyPhen-2, Align-GVGD) all suggest that this variant is likely to be tolerated. In summary, the available evidence is currently insufficient to determine the role of this variant in disease. Therefore, it has been classified as a Variant of Uncertain Significance.

NM_014321.4(ORC6):c.313T>C (p.Phe105Leu)

Gene: ORC6 (origin recognition complex subunit 6; plus strand). Cytogenetic location: 16q11.2.
Variant type: single nucleotide variant.
Coding change: c.313T>C on transcript NM_014321.4 (MANE Select); coding-DNA position 313, T replaced by C.
Protein change: p.Phe105Leu; replaces phenylalanine 105 with leucine.
Molecular consequence: missense variant. On other transcripts: non-coding transcript variant (1).
Genome position (GRCh38, 1-based): chr16:46,692,499, T>C. VCF-style: chr16-46692499-T-C. GRCh37 (hg19) VCF-style: chr16-46726411-T-C.
Other names: c.313T>C (NM_014321.3); short protein forms F105L.
Identifiers: ClinVar variation 1502914 (VCV001502914.7), dbSNP rs766253178, ClinGen allele CA8037343.
Genomic context (GRCh38, chr16:46,692,499, plus strand): 5'-TCTTTTGAGTGTTTACTGGGCCTGAATTCAAATATTGGAATAAGAGACCTAGCTGTACAG[T>C]TTAGCTGTATAGAAGCAGTGAACATGGCTTCAAAGATACTAAAAAGGTATGGGGCATAGA-3'
Protein context (NP_055136.1, residues 95-115): NIGIRDLAVQ[Phe105Leu]SCIEAVNMAS